The following is an entry in ClinVar:

ClinVar aggregate classification (germline): Benign (1 of 4 stars; one submission).

Conditions:
POLD1-related polyposis and colorectal cancer syndrome (CRCS10). Also called: Colorectal cancer 10; COLORECTAL CANCER, SUSCEPTIBILITY TO, ON CHROMOSOME 19q; Colorectal cancer, susceptibility to, 10. Identifiers: Orphanet 220460, MedGen C2675481, MONDO:0012953, OMIM 612591.

Submission:

Myriad Genetics, Inc.
Classification: Benign for POLD1-related polyposis and colorectal cancer syndrome. Last evaluated: 2025-02-06. Review status: criteria provided, single submitter. Criteria: Myriad Autosomal Dominant, Autosomal Recessive and X-Linked Classification Criteria (2023). Collection method: clinical testing. Allele origin: unknown.
Comment: This variant is considered benign. This variant is a silent/synonymous amino acid change and it is not expected to impact splicing.

NM_002691.4(POLD1):c.1530G>C (p.Val510=)

Gene: POLD1 (DNA polymerase delta 1, catalytic subunit; plus strand). Cytogenetic location: 19q13.33.
Variant type: single nucleotide variant.
Coding change: c.1530G>C on transcript NM_002691.4 (MANE Select); coding-DNA position 1530, G replaced by C.
Protein change: p.Val510=; no amino-acid change (valine 510 retained).
Molecular consequence: synonymous variant. On other transcripts: non-coding transcript variant (1).
Genome position (GRCh38, 1-based): chr19:50,407,018, G>C. VCF-style: chr19-50407018-G-C. GRCh37 (hg19) VCF-style: chr19-50910275-G-C.
Other names: c.1530G>C, p.Val510= (NM_001256849.1, NM_001308632.1).
Identifiers: ClinVar variation 3904276 (VCV003904276.1).
Genomic context (GRCh38, chr19:50,407,018, plus strand): 5'-TGACCCCATCCGTGCCCATCCCCAGAATGGGAACGACCAGACCCGCCGCCGCCTGGCTGT[G>C]TACTGCCTGAAGGATGCCTACCTGCCACTGCGGCTGCTGGAGCGGCTCATGGTGCTGGTG-3'
Protein context (NP_002682.2, residues 500-520): GNDQTRRRLA[Val510=]YCLKDAYLPL